The following is an entry in ClinVar:

NM_006734.4(HIVEP2):c.2054C>T (p.Pro685Leu)

Gene: HIVEP2 (HIVEP zinc finger 2; minus strand). Cytogenetic location: 6q24.2.
Variant type: single nucleotide variant.
Coding change: c.2054C>T on transcript NM_006734.4 (MANE Select); coding-DNA position 2054, C replaced by T.
Protein change: p.Pro685Leu; replaces proline 685 with leucine.
Molecular consequence: missense variant.
Genome position (GRCh38, 1-based): chr6:142,772,685, G>A on the plus strand (C>T on the coding strand, the complement: HIVEP2 is on the minus strand). VCF-style: chr6-142772685-G-A. GRCh37 (hg19) VCF-style: chr6-143093822-G-A.
Other names: short protein forms P685L.
Identifiers: ClinVar variation 1690961 (VCV001690961.2), dbSNP rs2114657610, ClinGen allele CA365911511.
Genomic context (GRCh38, chr6:142,772,685, plus strand): 5'-TCCCCTACGCTCTTCTCTTTCCGGCGTTTCCTGTTTTCACAGGTAGTTCCAAACATGCTT[G>A]GTACTCCCTGCAATGGCACCACGGGATCCATGAAATATTCTCCACCATGCTTTAAAGAAC-3'
Protein context (NP_006725.3, residues 675-695): MDPVVPLQGV[Pro685Leu]SMFGTTCENR

ClinVar aggregate classification (germline): Uncertain significance (1 of 4 stars; one submission).

Submission:

Laboratorio de Genetica e Diagnostico Molecular, Hospital Israelita Albert Einstein
Classification: Uncertain significance. Last evaluated: 2020-11-03. Review status: criteria provided, single submitter. Criteria: ACMG Guidelines, 2015. Collection method: clinical testing. Allele origin: germline. Affected: yes.
Comment: ACMG classification criteria: PM2, BP4